The following is an entry in ClinVar:

ClinVar aggregate classification (germline): Uncertain significance (1 of 4 stars; one submission).

Conditions:
Hereditary sensory and autonomic neuropathy type 6. Also called: HSAN VI; Neuropathy, hereditary sensory and autonomic, type VI. Identifiers: Orphanet 314381, MedGen C3539003, MONDO:0013839, OMIM 614653.
Epidermolysis bullosa simplex 3, localized or generalized intermediate, with BP230 deficiency (EBS3). Also called: Epidermolysis bullosa simplex, autosomal recessive 2; Epidermolysis bullosa simplex due to BP230 deficiency. Identifiers: Orphanet 412181, MedGen C3809470, MONDO:0014180, OMIM 615425.

Allele frequency attached by ClinVar (database versions not stated): gnomAD exomes 0.00001.
gnomAD v4.1: 3 of 1,613,920 alleles (0.00019%); highest among the groups gnomAD compares: Non-Finnish European, 0.00025%; no homozygotes.

Submission:

Labcorp Genetics (formerly Invitae), Labcorp
Classification: Uncertain significance for Epidermolysis bullosa simplex 3, localized or generalized intermediate, with BP230 deficiency; Hereditary sensory and autonomic neuropathy type 6. Last evaluated: 2021-08-31. Review status: criteria provided, single submitter. Criteria: Invitae Variant Classification Sherloc (09022015). Collection method: clinical testing. Allele origin: germline.
Comment: This sequence change replaces isoleucine with threonine at codon 764 of the DST protein (p.Ile764Thr). The isoleucine residue is highly conserved and there is a moderate physicochemical difference between isoleucine and threonine. This variant is not present in population databases (ExAC no frequency). This variant has not been reported in the literature in individuals affected with DST-related conditions. Algorithms developed to predict the effect of missense changes on protein structure and function (SIFT, PolyPhen-2, Align-GVGD) all suggest that this variant is likely to be disruptive. In summary, the available evidence is currently insufficient to determine the role of this variant in disease. Therefore, it has been classified as a Variant of Uncertain Significance.

NM_001374736.1(DST):c.3902T>C (p.Ile1301Thr)

Gene: DST (dystonin; minus strand). Cytogenetic location: 6p12.1.
Variant type: single nucleotide variant.
Coding change: c.3902T>C on transcript NM_001374736.1 (MANE Select); coding-DNA position 3902, T replaced by C.
Protein change: p.Ile1301Thr; replaces isoleucine 1301 with threonine.
Molecular consequence: missense variant.
Genome position (GRCh38, 1-based): chr6:56,631,944, A>G on the plus strand (T>C on the coding strand, the complement: DST is on the minus strand). VCF-style: chr6-56631944-A-G. GRCh37 (hg19) VCF-style: chr6-56496742-A-G.
Other names: c.2291T>C, p.Ile764Thr (NM_015548.5, NM_001723.7); c.3269T>C, p.Ile1090Thr (NM_183380.4, NM_001374729.1, NM_001374730.1 and 1 more transcripts); c.3803T>C, p.Ile1268Thr (NM_001144769.5); c.3389T>C, p.Ile1130Thr (NM_001144770.2); c.3902T>C, p.Ile1301Thr (NM_001374722.1); c.3929T>C, p.Ile1310Thr (NM_001374734.1); short protein forms I764T, I1090T, I1130T, I1268T, I1301T, I1310T.
Identifiers: ClinVar variation 541449 (VCV000541449.6), dbSNP rs1554529510, ClinGen allele CA364574871.
Genomic context (GRCh38, chr6:56,631,944, plus strand): 5'-TCCTGTTCTGTGATTCTGAACACACTTTCATGCAAATCATCTCTTTCCAGGGGAGTTCGA[A>G]TCTGTCTAATCAGCCGATCTTCACAGTTCTCTAACCGAAGTCTAATGTTTCGAACTTCAG-3'
Protein context (NP_001361665.1, residues 1291-1311): ENCEDRLIRQ[Ile1301Thr]RTPLERDDLH